The following is an entry in ClinVar:

NM_001368809.2(AMPD2):c.1275G>A (p.Ala425=)

Genes: AMPD2 (adenosine monophosphate deaminase 2; plus strand), LOC126805822 (BRD4-independent group 4 enhancer GRCh37_chr1:110170748-110171947; plus strand). Cytogenetic location: 1p13.3.
Variant type: single nucleotide variant.
Coding change: c.1275G>A on transcript NM_001368809.2 (MANE Select); coding-DNA position 1275, G replaced by A.
Protein change: p.Ala425=; no amino-acid change (alanine 425 retained).
Molecular consequence: synonymous variant.
Genome position (GRCh38, 1-based): chr1:109,628,277, G>A. VCF-style: chr1-109628277-G-A. GRCh37 (hg19) VCF-style: chr1-110170899-G-A.
Other names: c.1437G>A, p.Ala479= (NM_001257360.2); c.1083G>A, p.Ala361= (NM_001257361.2); c.1212G>A, p.Ala404= (NM_001308170.1); c.1275G>A, p.Ala425= (NM_004037.9); c.1194G>A, p.Ala398= (NM_139156.4).
Identifiers: ClinVar variation 2227783 (VCV002227783.5), dbSNP rs775359243, ClinGen allele CA993055.

ClinVar aggregate classification (germline): Uncertain significance. Review status: criteria provided, multiple submitters, no conflicts (2 of 4 stars). 2 submissions from 2 submitters: Uncertain significance (2). Last evaluated 2023-07-03.

Conditions:
Inborn genetic diseases. Identifiers: MedGen C0950123, MeSH D030342.
Hereditary spastic paraplegia 63. Also called: Spastic paraplegia 63, autosomal recessive. Identifiers: Orphanet 401805, MedGen C3810295, MONDO:0014305, OMIM 615686.
Pontocerebellar hypoplasia type 9. Identifiers: Orphanet 369920, MedGen C4014354, MONDO:0014351, OMIM 615809.

Allele frequency attached by ClinVar (database versions not stated): gnomAD exomes below 0.00001; ExAC 0.00001.
gnomAD v4.1: 3 of 1,612,982 alleles (0.00019%); highest among the groups gnomAD compares: Admixed American, 0.0033%; no homozygotes.

Submissions (2):

Labcorp Genetics (formerly Invitae), Labcorp
Classification: Uncertain significance for Pontocerebellar hypoplasia type 9; Hereditary spastic paraplegia 63. Last evaluated: 2023-07-03. Review status: criteria provided, single submitter. Criteria: Invitae Variant Classification Sherloc (09022015). Collection method: clinical testing. Allele origin: germline.
Comment: This sequence change affects codon 479 of the AMPD2 mRNA. It is a 'silent' change, meaning that it does not change the encoded amino acid sequence of the AMPD2 protein. This variant also falls at the last nucleotide of exon 11, which is part of the consensus splice site for this exon. This variant is present in population databases (rs775359243, gnomAD 0.006%). This variant has not been reported in the literature in individuals affected with AMPD2-related conditions. ClinVar contains an entry for this variant (Variation ID: 2227783). Variants that disrupt the consensus splice site are a relatively common cause of aberrant splicing (PMID: 17576681, 9536098). Algorithms developed to predict the effect of sequence changes on RNA splicing suggest that this variant may disrupt the consensus splice site. In summary, the available evidence is currently insufficient to determine the role of this variant in disease. Therefore, it has been classified as a Variant of Uncertain Significance.

Ambry Genetics
Classification: Uncertain significance for Inborn genetic diseases. Last evaluated: 2021-10-12. Review status: criteria provided, single submitter. Criteria: Ambry Variant Classification Scheme 2023. Collection method: clinical testing. Allele origin: germline.
Comment: Occurs in the last base pair of the exon. Resulting transcript is predicted to be in-frame and is not expected to trigger nonsense-mediated mRNA decay. Based on insufficient or conflicting evidence, the clinical significance of this alteration remains unclear.

Literature cited by the submitters: PubMed 17576681 (cited by Labcorp Genetics (formerly Invitae), Labcorp); PubMed 9536098 (cited by Labcorp Genetics (formerly Invitae), Labcorp).